The following is an entry in ClinVar:

ClinVar aggregate classification (germline): Conflicting classifications of pathogenicity. Review status: criteria provided, conflicting classifications (1 of 4 stars). 5 submissions from 5 submitters: Uncertain significance (1); Likely benign (4). Last evaluated 2026-01-02.

Conditions:
Inborn genetic diseases. Identifiers: MedGen C0950123, MeSH D030342.
Cornelia de Lange syndrome 4 (CDLS4). Also called: RAD21-Related Cornelia de Lange Syndrome; CORNELIA DE LANGE SYNDROME 4 WITH OR WITHOUT MIDLINE BRAIN DEFECTS. Identifiers: Orphanet 199, MedGen C3553517, MONDO:0013864, OMIM 614701.

Allele frequency attached by ClinVar (database versions not stated): ESP Exome Variant Server 0.00023; gnomAD 0.00028 and 0.00029; gnomAD exomes 0.00028 and 0.00051; TOPMed 0.00036; ExAC 0.00041.
gnomAD v4.1: 465 of 1,573,364 alleles (0.03%); highest among the groups gnomAD compares: Non-Finnish European, 0.0079%; 2 homozygotes.

Submissions (5):

Labcorp Genetics (formerly Invitae), Labcorp
Classification: Likely benign for Cornelia de Lange syndrome 4. Last evaluated: 2026-01-02. Review status: criteria provided, single submitter. Criteria: Invitae Variant Classification Sherloc (09022015). Collection method: clinical testing. Allele origin: germline.

CeGaT Center for Human Genetics Tuebingen
Classification: Likely benign. Last evaluated: 2025-04-01. Review status: criteria provided, single submitter. Criteria: CeGaT Center For Human Genetics Tuebingen Variant Classification Criteria Version 2. Collection method: clinical testing. Allele origin: germline. Affected: yes. Observed: 3 variant alleles.
Comment: RAD21: BP4, BP7

Blueprint Genetics
Classification: Likely benign. Last evaluated: 2024-10-31. Review status: criteria provided, single submitter. Criteria: ACMG Guidelines, 2015. Collection method: clinical testing. Allele origin: germline.

Ambry Genetics
Classification: Likely benign for Inborn genetic diseases. Last evaluated: 2018-05-18. Review status: criteria provided, single submitter. Criteria: Ambry Variant Classification Scheme 2023. Collection method: clinical testing. Allele origin: germline.

Genetic Services Laboratory, University of Chicago
Classification: Uncertain significance. Last evaluated: 2013-07-19. Review status: criteria provided, single submitter. Criteria: ACMG Guidelines, 2007. Collection method: clinical testing. Allele origin: germline.

NM_006265.3(RAD21):c.735C>T (p.Pro245=)

Gene: RAD21 (RAD21 cohesin complex component; minus strand). Cytogenetic location: 8q24.11.
Variant type: single nucleotide variant.
Coding change: c.735C>T on transcript NM_006265.3 (MANE Select); coding-DNA position 735, C replaced by T.
Protein change: p.Pro245=; no amino-acid change (proline 245 retained).
Molecular consequence: synonymous variant.
Genome position (GRCh38, 1-based): chr8:116,856,725, G>A on the plus strand (C>T on the coding strand, the complement: RAD21 is on the minus strand). VCF-style: chr8-116856725-G-A. GRCh37 (hg19) VCF-style: chr8-117868964-G-A.
Identifiers: ClinVar variation 211996 (VCV000211996.38), dbSNP rs199767556, ClinGen allele CA208064.